The following is an entry in ClinVar:

NM_000094.4(COL7A1):c.846G>A (p.Glu282=)

Gene: COL7A1 (collagen type VII alpha 1 chain; minus strand). Cytogenetic location: 3p21.31.
Variant type: single nucleotide variant.
Coding change: c.846G>A on transcript NM_000094.4 (MANE Select); coding-DNA position 846, G replaced by A.
Protein change: p.Glu282=; no amino-acid change (glutamic acid 282 retained).
Molecular consequence: synonymous variant.
Genome position (GRCh38, 1-based): chr3:48,592,775, C>T on the plus strand (G>A on the coding strand, the complement: COL7A1 is on the minus strand). VCF-style: chr3-48592775-C-T. GRCh37 (hg19) VCF-style: chr3-48630208-C-T.
Identifiers: ClinVar variation 449470 (VCV000449470.27), dbSNP rs770216458, ClinGen allele CA73993044.

ClinVar aggregate classification (germline): Pathogenic/Likely pathogenic. Review status: criteria provided, multiple submitters, no conflicts (2 of 4 stars). 4 submissions from 4 submitters: Pathogenic (2); Likely pathogenic (2). Last evaluated 2025-06-23.

Conditions:
Recessive dystrophic epidermolysis bullosa (RDEB). Also called: DYSTROPHIC EPIDERMOLYSIS BULLOSA, AUTOSOMAL RECESSIVE; EPIDERMOLYSIS BULLOSA DYSTROPHICA, HALLOPEAU-SIEMENS TYPE; epidermolysis bullosa dystrophica, autosomal recessive; severe generalized recessive dystrophic epidermolysis bullosa; Recessive DEB (RDEB); EPIDERMOLYSIS BULLOSA DYSTROPHICA, GENERALIZED SEVERE, AUTOSOMAL RECESSIVE. Identifiers: Orphanet 79408, Orphanet 79409, MedGen C0079474, MONDO:0009179, OMIM 226600.

gnomAD v4.1: 1 of 1,613,656 alleles (0.000062%); highest among the groups gnomAD compares: Non-Finnish European, 0.000085%; no homozygotes.

Submissions (4):

Labcorp Genetics (formerly Invitae), Labcorp
Classification: Pathogenic. Last evaluated: 2025-06-23. Review status: criteria provided, single submitter. Criteria: Invitae Variant Classification Sherloc (09022015). Collection method: clinical testing. Allele origin: germline.
Comment: This sequence change affects codon 282 of the COL7A1 mRNA. It is a 'silent' change, meaning that it does not change the encoded amino acid sequence of the COL7A1 protein. This variant also falls at the last nucleotide of exon 6, which is part of the consensus splice site for this exon. This variant is not present in population databases (gnomAD no frequency). This variant has been observed in individual(s) with autosomal recessive dystrophic epidermolysis bullosa (PMID: 19681861, 35979658). ClinVar contains an entry for this variant (Variation ID: 449470). Variants that disrupt the consensus splice site are a relatively common cause of aberrant splicing (PMID: 17576681, 9536098). Algorithms developed to predict the effect of sequence changes on RNA splicing suggest that this variant may disrupt the consensus splice site. For these reasons, this variant has been classified as Pathogenic.

Women's Health and Genetics/Laboratory Corporation of America, LabCorp
Classification: Likely pathogenic for Dystrophic Epidermolysis Bullosa, Recessive. Last evaluated: 2025-04-19. Review status: criteria provided, single submitter. Criteria: LabCorp Variant Classification Summary - May 2015. Collection method: clinical testing. Allele origin: germline.
Comment: Variant summary: COL7A1 c.846G>A (p.Glu282Glu) alters a conserved nucleotide located close to a canonical splice site and therefore could affect mRNA splicing, leading to a significantly altered protein sequence. Several computational tools predict a significant impact on normal splicing: Two predict the variant abolishes the canonical 5' splicing donor site. Two predict the variant weakens the canonical 5' splicing donor site. However, these predictions have yet to be confirmed by functional studies. The variant was absent in 249280 control chromosomes. c.846G>A has been observed in individual(s) affected with Dystrophic Epidermolysis Bullosa, Recessive (Kern_2009, Natale_2022). These data indicate that the variant may be associated with disease. To our knowledge, no experimental evidence demonstrating an impact on protein function has been reported. The following publications have been ascertained in the context of this evaluation (PMID: 19681861, 35979658). ClinVar contains an entry for this variant (Variation ID: 449470). Based on the evidence outlined above, the variant was classified as likely pathogenic.

Center for Research in Genodermatoses and Epidermolysis Bullosa, University of Buenos Aires
Classification: Pathogenic for Recessive dystrophic epidermolysis bullosa. Last evaluated: 2022-03-14. Review status: criteria provided, single submitter. Criteria: ACMG Guidelines, 2015. Collection method: clinical testing. Allele origin: maternal. Affected: yes. Observed: 1 variant allele, 1 compound heterozygote.

GeneDx
Classification: Likely pathogenic. Last evaluated: 2017-04-05. Review status: criteria provided, single submitter. Criteria: GeneDx Variant Classification (06012015). Collection method: clinical testing. Allele origin: germline. Affected: yes.
Comment: The c.846 G>A variant has been reported previously in a patient with autosomal recessive dystrophic epidermolysis bullosa who was also heterozygous for a second variant in the COL7A1 gene (Kern et al., 2009). In contrast, it is not observed in large population cohorts (Lek et al., 2016; 1000 Genomes Consortium et al., 2015; Exome Variant Server). While this sequence variant is silent and does not change the amino acid codon, it is predicted to destroy the canonical splice donor site in intron 6. Therefore, we interpret the c.846 G>A variant as likely pathogenic.

Literature cited by the submitters: PubMed 19681861 (cited by 3 submitters); PubMed 35979658 (cited by 3 submitters); PubMed 17576681 (cited by Labcorp Genetics (formerly Invitae), Labcorp); PubMed 9536098 (cited by Labcorp Genetics (formerly Invitae), Labcorp).